The following is an entry in ClinVar:

ClinVar aggregate classification (germline): Uncertain significance (1 of 4 stars; one submission).

Conditions:
Martsolf syndrome (MARTS). Also called: Congenital cataract with intellectual disability and hypogonadotropic hypogonadism syndrome. Identifiers: Orphanet 1387, MedGen C0796037, MONDO:0023910.
Warburg micro syndrome 2 (WARBM2). Also called: MICRO SYNDROME 2. Identifiers: Orphanet 2510, MedGen C3280214, MONDO:0013641, OMIM 614225.

Submission:

Labcorp Genetics (formerly Invitae), Labcorp
Classification: Uncertain significance for Martsolf syndrome; Warburg micro syndrome 2. Last evaluated: 2021-03-22. Review status: criteria provided, single submitter. Criteria: Invitae Variant Classification Sherloc (09022015). Collection method: clinical testing. Allele origin: germline.
Comment: This sequence change replaces glutamine with glutamic acid at codon 234 of the RAB3GAP2 protein (p.Gln234Glu). The glutamine residue is moderately conserved and there is a small physicochemical difference between glutamine and glutamic acid. This variant is not present in population databases (ExAC no frequency). This variant has not been reported in the literature in individuals with RAB3GAP2-related conditions. Algorithms developed to predict the effect of missense changes on protein structure and function are either unavailable or do not agree on the potential impact of this missense change (SIFT: "Tolerated"; PolyPhen-2: "Probably Damaging"; Align-GVGD: "Class C0"). In summary, the available evidence is currently insufficient to determine the role of this variant in disease. Therefore, it has been classified as a Variant of Uncertain Significance.

NM_012414.4(RAB3GAP2):c.700C>G (p.Gln234Glu)

Gene: RAB3GAP2 (RAB3 GTPase activating non-catalytic protein subunit 2; minus strand). Cytogenetic location: 1q41.
Variant type: single nucleotide variant.
Coding change: c.700C>G on transcript NM_012414.4 (MANE Select); coding-DNA position 700, C replaced by G.
Protein change: p.Gln234Glu; replaces glutamine 234 with glutamic acid.
Molecular consequence: missense variant.
Genome position (GRCh38, 1-based): chr1:220,205,919, G>C on the plus strand (C>G on the coding strand, the complement: RAB3GAP2 is on the minus strand). VCF-style: chr1-220205919-G-C. GRCh37 (hg19) VCF-style: chr1-220379261-G-C.
Other names: short protein forms Q234E.
Identifiers: ClinVar variation 1380447 (VCV001380447.8), dbSNP rs2102877645, ClinGen allele CA344730007.